The following is an entry in ClinVar:

ClinVar aggregate classification (germline): Uncertain significance. Review status: criteria provided, multiple submitters, no conflicts (2 of 4 stars). 3 submissions from 3 submitters: Uncertain significance (3). Last evaluated 2024-10-04.

Conditions:
Inborn genetic diseases. Identifiers: MedGen C0950123, MeSH D030342.

gnomAD v4.1: 25 of 1,611,494 alleles (0.0016%); highest among the groups gnomAD compares: African/African-American, 0.025%; no homozygotes.

Submissions (3):

Ambry Genetics
Classification: Uncertain significance for Inborn genetic diseases. Last evaluated: 2024-10-04. Review status: criteria provided, single submitter. Criteria: Ambry Variant Classification Scheme 2023. Collection method: clinical testing. Allele origin: germline.
Comment: The p.D176V variant (also known as c.527A>T), located in coding exon 4 of the HAX1 gene, results from an A to T substitution at nucleotide position 527. The aspartic acid at codon 176 is replaced by valine, an amino acid with highly dissimilar properties. This amino acid position is conserved. In addition, this alteration is predicted to be tolerated by in silico analysis. Based on the available evidence, the clinical significance of this variant remains unclear.

Mayo Clinic Laboratories, Mayo Clinic
Classification: Uncertain significance. Last evaluated: 2023-11-21. Review status: criteria provided, single submitter. Criteria: ACMG Guidelines, 2015. Collection method: clinical testing. Allele origin: germline. Observed: 1 variant allele.
Comment: BP4

Blueprint Genetics
Classification: Uncertain significance. Last evaluated: 2021-03-18. Review status: criteria provided, single submitter. Criteria: ACMG Guidelines, 2015. Collection method: clinical testing. Allele origin: germline.

NM_006118.4(HAX1):c.527A>T (p.Asp176Val)

Gene: HAX1 (HCLS1 associated protein X-1; plus strand). Cytogenetic location: 1q21.3.
Variant type: single nucleotide variant.
Coding change: c.527A>T on transcript NM_006118.4 (MANE Select); coding-DNA position 527, A replaced by T.
Protein change: p.Asp176Val; replaces aspartic acid 176 with valine.
Molecular consequence: missense variant.
Genome position (GRCh38, 1-based): chr1:154,274,972, A>T. VCF-style: chr1-154274972-A-T. GRCh37 (hg19) VCF-style: chr1-154247448-A-T.
Other names: p.Asp176Val; c.383A>T, p.Asp128Val (NM_001018837.2); short protein forms D128V, D176V.
Identifiers: ClinVar variation 3379897 (VCV003379897.3).